The following is an entry in ClinVar:

ClinVar aggregate classification (germline): Benign/Likely benign. Review status: criteria provided, multiple submitters, no conflicts (2 of 4 stars). 5 submissions from 5 submitters: Benign (4); Likely benign (1). Last evaluated 2026-02-04.

Conditions:
Singleton-Merten syndrome 2 (SGMRT2). Identifiers: Orphanet 85191, MedGen C4225380, MONDO:0014575, OMIM 616298.

Allele frequency attached by ClinVar (database versions not stated): 1000 Genomes Project 30x 0.31246; 1000 Genomes Project 0.31430; ESP Exome Variant Server 0.32108; TOPMed 0.32699; ExAC 0.34605; gnomAD exomes 0.34612 and 0.34933.
gnomAD v4.1: 559,800 of 1,612,956 alleles (35%); highest among the groups gnomAD compares: East Asian, 44%; 98,776 homozygotes.

Submissions (5):

Labcorp Genetics (formerly Invitae), Labcorp
Classification: Benign. Last evaluated: 2026-02-04. Review status: criteria provided, single submitter. Criteria: Invitae Variant Classification Sherloc (09022015). Collection method: clinical testing. Allele origin: germline.

Blueprint Genetics
Classification: Likely benign. Last evaluated: 2024-11-27. Review status: criteria provided, single submitter. Criteria: ACMG Guidelines, 2015. Collection method: clinical testing. Allele origin: germline.

Unidad de Genómica Garrahan, Hospital de Pediatría Garrahan
Classification: Benign. Last evaluated: 2023-11-14. Review status: criteria provided, single submitter. Criteria: ACMG Guidelines, 2015. Collection method: clinical testing. Allele origin: germline. Affected: no. Observed: 50 variant alleles.
Comment: This variant is classified as Benign based on local population frequency. This variant was detected in 52% of patients studied by a panel of primary immunodeficiencies. Number of patients: 50. Only high quality variants are reported.

Mayo Clinic Laboratories, Mayo Clinic
Classification: Benign. Last evaluated: 2022-09-06. Review status: criteria provided, single submitter. Criteria: ACMG Guidelines, 2015. Collection method: clinical testing. Allele origin: germline. Observed: 246 variant alleles.

Genome-Nilou Lab
Classification: Benign for Singleton-Merten syndrome 2. Last evaluated: 2021-07-30. Review status: criteria provided, single submitter. Criteria: ACMG Guidelines, 2015. Collection method: clinical testing. Allele origin: germline. Affected: no.

NM_014314.4(RIGI):c.2400A>C (p.Val800=)

Genes: RIGI (RNA sensor RIG-I; minus strand), LOC101060445 (uncharacterized LOC101060445; plus strand). Cytogenetic location: 9p21.1.
Variant type: single nucleotide variant.
Coding change: c.2400A>C on transcript NM_014314.4 (MANE Select); coding-DNA position 2400, A replaced by C.
Protein change: p.Val800=; no amino-acid change (valine 800 retained).
Molecular consequence: synonymous variant.
Genome position (GRCh38, 1-based): chr9:32,459,452, T>G on the plus strand (A>C on the coding strand, the complement: RIGI is on the minus strand). VCF-style: chr9-32459452-T-G. GRCh37 (hg19) VCF-style: chr9-32459450-T-G.
Other names: p.Val800=; c.2394A>C, p.Val798= (NM_001385907.1); c.2229A>C, p.Val743= (NM_001385909.1); c.1959A>C, p.Val653= (NM_001385910.1); c.1791A>C, p.Val597= (NM_001385912.1); c.2385A>C, p.Val795= (NM_001385913.1); c.1956A>C, p.Val652= (NM_001385914.1).
Identifiers: ClinVar variation 1169347 (VCV001169347.15), dbSNP rs3205166, ClinGen allele CA5019503.